The following is an entry in ClinVar:

NM_198129.4(LAMA3):c.1350C>T (p.His450=)

Gene: LAMA3 (laminin subunit alpha 3; plus strand). Cytogenetic location: 18q11.2.
Variant type: single nucleotide variant.
Coding change: c.1350C>T on transcript NM_198129.4 (MANE Select); coding-DNA position 1350, C replaced by T.
Protein change: p.His450=; no amino-acid change (histidine 450 retained).
Molecular consequence: synonymous variant. On other transcripts: non-coding transcript variant (1).
Genome position (GRCh38, 1-based): chr18:23,775,868, C>T. VCF-style: chr18-23775868-C-T. GRCh37 (hg19) VCF-style: chr18-21355832-C-T.
Other names: c.1350C>T, p.His450= (NM_001127717.4); c.1350C>T (NM_198129.2).
Identifiers: ClinVar variation 2064665 (VCV002064665.5), dbSNP rs34793649, ClinGen allele CA8914562.

ClinVar aggregate classification (germline): Likely benign. Review status: criteria provided, single submitter (1 of 4 stars). 2 submissions from 2 submitters: Likely benign (1). 1 of the submissions does not count toward it. Last evaluated 2020-08-10.

Conditions:
LAMA3-related disorder. Also called: LAMA3-related condition; LAMA3-related disorders.

Allele frequency attached by ClinVar (database versions not stated): 1000 Genomes Project 30x 0.00016; ESP Exome Variant Server 0.00016; 1000 Genomes Project 0.00020; ExAC 0.00026; TOPMed 0.00036; gnomAD 0.00042; gnomAD exomes 0.00063.
gnomAD v4.1: 993 of 1,614,032 alleles (0.062%); highest among the groups gnomAD compares: Non-Finnish European, 0.077%; 2 homozygotes.

Submissions (2):

Labcorp Genetics (formerly Invitae), Labcorp
Classification: Likely benign. Last evaluated: 2020-08-10. Review status: criteria provided, single submitter. Criteria: Invitae Variant Classification Sherloc (09022015). Collection method: clinical testing. Allele origin: germline.

PreventionGenetics, part of Exact Sciences
Classification: Likely benign for LAMA3-related condition. Last evaluated: 2022-07-10. Review status: no assertion criteria provided. Collection method: clinical testing. Allele origin: germline. Not counted in ClinVar's aggregate classification.
Comment: This variant is classified as likely benign based on ACMG/AMP sequence variant interpretation guidelines (Richards et al. 2015 PMID: 25741868, with internal and published modifications).